The following is an entry in ClinVar:

NM_003051.4(SLC16A1):c.26T>C (p.Val9Ala)

Gene: SLC16A1 (solute carrier family 16 member 1; minus strand). Cytogenetic location: 1p13.2.
Variant type: single nucleotide variant.
Coding change: c.26T>C on transcript NM_003051.4 (MANE Select); coding-DNA position 26, T replaced by C.
Protein change: p.Val9Ala; replaces valine 9 with alanine.
Molecular consequence: missense variant.
Genome position (GRCh38, 1-based): chr1:112,929,283, A>G on the plus strand (T>C on the coding strand, the complement: SLC16A1 is on the minus strand). VCF-style: chr1-112929283-A-G. GRCh37 (hg19) VCF-style: chr1-113471905-A-G.
Other names: c.26T>C, p.Val9Ala (NM_001166496.2); short protein forms V9A.
Identifiers: ClinVar variation 2191147 (VCV002191147.4), dbSNP rs767645547, ClinGen allele CA1011536.

ClinVar aggregate classification (germline): Uncertain significance (1 of 4 stars; one submission).

Allele frequency attached by ClinVar (database versions not stated): gnomAD 0.00001; gnomAD exomes 0.00001; ExAC 0.00002; TOPMed 0.00002.

Submission:

Labcorp Genetics (formerly Invitae), Labcorp
Classification: Uncertain significance. Last evaluated: 2025-07-21. Review status: criteria provided, single submitter. Criteria: Invitae Variant Classification Sherloc (09022015). Collection method: clinical testing. Allele origin: germline.
Comment: This sequence change replaces valine, which is neutral and non-polar, with alanine, which is neutral and non-polar, at codon 9 of the SLC16A1 protein (p.Val9Ala). This variant is present in population databases (rs767645547, gnomAD 0.02%). This variant has not been reported in the literature in individuals affected with SLC16A1-related conditions. ClinVar contains an entry for this variant (Variation ID: 2191147). An algorithm developed to predict the effect of missense changes on protein structure and function (PolyPhen-2) suggests that this variant is likely to be tolerated. In summary, the available evidence is currently insufficient to determine the role of this variant in disease. Therefore, it has been classified as a Variant of Uncertain Significance.